The following is an entry in ClinVar:

NM_000440.3(PDE6A):c.2036C>T (p.Thr679Met)

Gene: PDE6A (phosphodiesterase 6A; minus strand). Cytogenetic location: 5q32.
Variant type: single nucleotide variant.
Coding change: c.2036C>T on transcript NM_000440.3 (MANE Select); coding-DNA position 2036, C replaced by T.
Protein change: p.Thr679Met; replaces threonine 679 with methionine.
Molecular consequence: missense variant.
Genome position (GRCh38, 1-based): chr5:149,883,528, G>A on the plus strand (C>T on the coding strand, the complement: PDE6A is on the minus strand). VCF-style: chr5-149883528-G-A. GRCh37 (hg19) VCF-style: chr5-149263091-G-A.
Other names: short protein forms T679M.
Identifiers: ClinVar variation 943423 (VCV000943423.7), dbSNP rs147017310, ClinGen allele CA3504421.

ClinVar aggregate classification (germline): Uncertain significance. Review status: criteria provided, multiple submitters, no conflicts (2 of 4 stars). 3 submissions from 3 submitters: Uncertain significance (3). Last evaluated 2024-11-18.

Conditions:
Inborn genetic diseases. Identifiers: MedGen C0950123, MeSH D030342.

Allele frequency attached by ClinVar (database versions not stated): ESP Exome Variant Server 0.00023; TOPMed 0.00035.
gnomAD v4.1: 90 of 1,608,724 alleles (0.0056%); highest among the groups gnomAD compares: African/African-American, 0.099%; no homozygotes.

Submissions (3):

Labcorp Genetics (formerly Invitae), Labcorp
Classification: Uncertain significance. Last evaluated: 2024-11-18. Review status: criteria provided, single submitter. Criteria: Invitae Variant Classification Sherloc (09022015). Collection method: clinical testing. Allele origin: germline.
Comment: This sequence change replaces threonine, which is neutral and polar, with methionine, which is neutral and non-polar, at codon 679 of the PDE6A protein (p.Thr679Met). This variant is present in population databases (rs147017310, gnomAD 0.1%). This variant has not been reported in the literature in individuals affected with PDE6A-related conditions. ClinVar contains an entry for this variant (Variation ID: 943423). Invitae Evidence Modeling of protein sequence and biophysical properties (such as structural, functional, and spatial information, amino acid conservation, physicochemical variation, residue mobility, and thermodynamic stability) has been performed for this missense variant. However, the output from this modeling did not meet the statistical confidence thresholds required to predict the impact of this variant on PDE6A protein function. In summary, the available evidence is currently insufficient to determine the role of this variant in disease. Therefore, it has been classified as a Variant of Uncertain Significance.

Ambry Genetics
Classification: Uncertain significance for Inborn genetic diseases. Last evaluated: 2023-12-21. Review status: criteria provided, single submitter. Criteria: Ambry Variant Classification Scheme 2023. Collection method: clinical testing. Allele origin: germline.

Blueprint Genetics
Classification: Uncertain significance. Last evaluated: 2023-10-04. Review status: criteria provided, single submitter. Criteria: ACMG Guidelines, 2015. Collection method: clinical testing. Allele origin: germline.